The following is an entry in ClinVar:

NM_006904.7(PRKDC):c.8819G>A (p.Arg2940His)

Gene: PRKDC (protein kinase, DNA-activated, catalytic subunit; minus strand). Cytogenetic location: 8q11.21.
Variant type: single nucleotide variant.
Coding change: c.8819G>A on transcript NM_006904.7 (MANE Select); coding-DNA position 8819, G replaced by A.
Protein change: p.Arg2940His; replaces arginine 2940 with histidine.
Molecular consequence: missense variant.
Genome position (GRCh38, 1-based): chr8:47,823,961, C>T on the plus strand (G>A on the coding strand, the complement: PRKDC is on the minus strand). VCF-style: chr8-47823961-C-T. GRCh37 (hg19) VCF-style: chr8-48736522-C-T.
Other names: c.8819G>A, p.Arg2940His (NM_001081640.2); short protein forms R2940H.
Identifiers: ClinVar variation 429318 (VCV000429318.7), dbSNP rs372587440, ClinGen allele CA4739714.

ClinVar aggregate classification (germline): Conflicting classifications of pathogenicity. Review status: criteria provided, conflicting classifications (1 of 4 stars). 2 submissions from 2 submitters: Likely pathogenic (1); Uncertain significance (1). Last evaluated 2023-07-17.

Conditions:
Severe combined immunodeficiency due to DNA-PKcs deficiency. Also called: IMMUNODEFICIENCY 26 WITH NEUROLOGIC ABNORMALITIES; Immunodeficiency 26 with or without neurologic abnormalities. Identifiers: Orphanet 317425, MedGen C4014833, MONDO:0014423, OMIM 615966.

Allele frequency attached by ClinVar (database versions not stated): gnomAD exomes 0.00001.
gnomAD v4.1: 15 of 1,613,182 alleles (0.00093%); highest among the groups gnomAD compares: East Asian, 0.0045%; no homozygotes.

Submissions (2):

Labcorp Genetics (formerly Invitae), Labcorp
Classification: Uncertain significance for Severe combined immunodeficiency due to DNA-PKcs deficiency. Last evaluated: 2023-07-17. Review status: criteria provided, single submitter. Criteria: Invitae Variant Classification Sherloc (09022015). Collection method: clinical testing. Allele origin: germline.
Comment: In summary, the available evidence is currently insufficient to determine the role of this variant in disease. Therefore, it has been classified as a Variant of Uncertain Significance. Advanced modeling of protein sequence and biophysical properties (such as structural, functional, and spatial information, amino acid conservation, physicochemical variation, residue mobility, and thermodynamic stability) performed at Invitae indicates that this missense variant is not expected to disrupt PRKDC protein function. ClinVar contains an entry for this variant (Variation ID: 429318). This variant has not been reported in the literature in individuals affected with PRKDC-related conditions. This variant is present in population databases (rs372587440, gnomAD 0.006%). This sequence change replaces arginine, which is basic and polar, with histidine, which is basic and polar, at codon 2940 of the PRKDC protein (p.Arg2940His).

GeneDx
Classification: Likely pathogenic. Last evaluated: 2015-07-21. Review status: criteria provided, single submitter. Criteria: GeneDx Variant Classification (06012015). Collection method: clinical testing. Allele origin: germline. Affected: yes.
Comment: The R2940H variant in the PRKDC gene has not been published as a pathogenic variant, nor has it been reported as a benign polymorphism to our knowledge. The R2940H variant was not observed in approximately 5,900 individuals of European and African American ancestry in the NHLBI Exome Sequencing Project, indicating it is not a common benign variant in these populations. The R2940H variant is a conservative amino acid substitution, which occurs at a position that is not conserved. In silico analysis is inconsistent in its predictions as to whether or not the variant is damaging to the protein structure/function. The R2940 variant is a strong candidate for a disease-causing variant, however the possibility it may be a rare benign variant cannot be excluded.